The following is an entry in ClinVar:

ClinVar aggregate classification (germline): Pathogenic/Likely pathogenic. Review status: criteria provided, multiple submitters, no conflicts (2 of 4 stars). 2 submissions from 2 submitters: Pathogenic (1); Likely pathogenic (1). Last evaluated 2025-01-14.

Conditions:
Fanconi anemia (FA). Also called: Fanconi's anemia. Identifiers: Orphanet 84, MedGen C0015625, MeSH D005199, MONDO:0019391.
Fanconi anemia complementation group A (FANCA). Also called: Fanconi anemia, group A; FANCA-Related Fanconi Anemia. Identifiers: Orphanet 84, MedGen C3469521, MONDO:0009215, OMIM 227650.

Submissions (2):

Labcorp Genetics (formerly Invitae), Labcorp
Classification: Pathogenic for Fanconi anemia. Last evaluated: 2025-01-14. Review status: criteria provided, single submitter. Criteria: Invitae Variant Classification Sherloc (09022015). Collection method: clinical testing. Allele origin: germline.
Comment: This sequence change creates a premature translational stop signal (p.Glu408*) in the FANCA gene. It is expected to result in an absent or disrupted protein product. Loss-of-function variants in FANCA are known to be pathogenic (PMID: 19367192). This variant is not present in population databases (gnomAD no frequency). This variant has not been reported in the literature in individuals affected with FANCA-related conditions. ClinVar contains an entry for this variant (Variation ID: 1726433). For these reasons, this variant has been classified as Pathogenic.

Myriad Genetics, Inc.
Classification: Likely pathogenic for Fanconi anemia complementation group A. Last evaluated: 2021-12-17. Review status: criteria provided, single submitter. Criteria: Myriad Women's Health Autosomal Recessive and X-Linked Classification Criteria (2021). Collection method: clinical testing. Allele origin: unknown.
Comment: NM_000135.2(FANCA):c.1222G>T(E408*) is expected to be pathogenic in the context of Fanconi anemia complementation group A. This variant is predicted to lead to an abnormal or absent protein product due to the creation of a premature termination codon in FANCA, a gene where loss-of-function variants are known to be pathogenic. Please note: this variant was assessed in the context of healthy population screening.

Literature cited by the submitters: PubMed 19367192 (cited by Labcorp Genetics (formerly Invitae), Labcorp).

NM_000135.4(FANCA):c.1222G>T (p.Glu408Ter)

Gene: FANCA (FA complementation group A; minus strand). Cytogenetic location: 16q24.3.
Variant type: single nucleotide variant.
Coding change: c.1222G>T on transcript NM_000135.4 (MANE Select); coding-DNA position 1222, G replaced by T.
Protein change: p.Glu408Ter; replaces glutamic acid 408 with a stop codon.
Molecular consequence: nonsense.
Genome position (GRCh38, 1-based): chr16:89,791,930, C>A on the plus strand (G>T on the coding strand, the complement: FANCA is on the minus strand). VCF-style: chr16-89791930-C-A. GRCh37 (hg19) VCF-style: chr16-89858338-C-A.
Other names: c.1222G>T, p.Glu408Ter (NM_001286167.3); short protein forms E408*.
Identifiers: ClinVar variation 1726433 (VCV001726433.4), dbSNP rs2544273183, ClinGen allele CA397465904.
Genomic context (GRCh38, chr16:89,791,930, plus strand): 5'-TGACACCCCCCTACACACACTCTTGACCAGCACCACCGGGCTCGCGTAAAAGCTCACCTT[C>A]AAGCAGCTGCTGCGCTTCTGGAAAGCAGACAACCAGGGCAGACACAAAGGAGAGCACTCT-3'